The following is an entry in ClinVar:

ClinVar aggregate classification (germline): Pathogenic/Likely pathogenic. Review status: criteria provided, multiple submitters, no conflicts (2 of 4 stars). 2 submissions from 2 submitters: Pathogenic (1); Likely pathogenic (1). Last evaluated 2023-05-04.

Conditions:
CEP120-related disorder. Also called: CEP120-Related Disorders; CEP120-related condition.
Short-rib thoracic dysplasia 13 with or without polydactyly (SRTD13). Identifiers: Orphanet 474, MedGen C4225378, MONDO:0014577, OMIM 616300.

Allele frequency attached by ClinVar (database versions not stated): ExAC 0.00002; gnomAD 0.00002; 1000 Genomes Project 30x 0.00016; 1000 Genomes Project 0.00020.
gnomAD v4.1: 15 of 1,606,388 alleles (0.00093%); highest among the groups gnomAD compares: Admixed American, 0.0068%; no homozygotes.

Submissions (2):

Blueprint Genetics
Classification: Likely pathogenic for CEP120-related disorders. Last evaluated: 2023-05-04. Review status: criteria provided, single submitter. Criteria: ACMG Guidelines, 2015. Collection method: clinical testing. Allele origin: germline. Affected: yes. Observed: 3 variant alleles.

Labcorp Genetics (formerly Invitae), Labcorp
Classification: Pathogenic for Short-rib thoracic dysplasia 13 with or without polydactyly. Last evaluated: 2022-07-06. Review status: criteria provided, single submitter. Criteria: Invitae Variant Classification Sherloc (09022015). Collection method: clinical testing. Allele origin: germline.
Comment: For these reasons, this variant has been classified as Pathogenic. This variant has not been reported in the literature in individuals affected with CEP120-related conditions. This variant is present in population databases (rs552760651, gnomAD 0.01%). This sequence change creates a premature translational stop signal (p.Arg722*) in the CEP120 gene. It is expected to result in an absent or disrupted protein product. Loss-of-function variants in CEP120 are known to be pathogenic (PMID: 25251415, 27208211).

Literature cited by the submitters: PubMed 25251415 (cited by Labcorp Genetics (formerly Invitae), Labcorp); PubMed 27208211 (cited by Labcorp Genetics (formerly Invitae), Labcorp).

NM_001375405.1(CEP120):c.2164C>T (p.Arg722Ter)

Gene: CEP120 (centrosomal protein 120; minus strand). Cytogenetic location: 5q23.2.
Variant type: single nucleotide variant.
Coding change: c.2164C>T on transcript NM_001375405.1 (MANE Select); coding-DNA position 2164, C replaced by T.
Protein change: p.Arg722Ter; replaces arginine 722 with a stop codon.
Molecular consequence: nonsense. On other transcripts: non-coding transcript variant (1).
Genome position (GRCh38, 1-based): chr5:123,378,368, G>A on the plus strand (C>T on the coding strand, the complement: CEP120 is on the minus strand). VCF-style: chr5-123378368-G-A. GRCh37 (hg19) VCF-style: chr5-122714062-G-A.
Other names: c.2086C>T, p.Arg696Ter (NM_001166226.2); c.2029C>T, p.Arg677Ter (NM_001375406.1); c.2164C>T, p.Arg722Ter (NM_001375407.1, NM_153223.4); c.1591C>T, p.Arg531Ter (NM_001375408.1, NM_001375409.1); short protein forms R722*, R696*, R531*, R677*.
Identifiers: ClinVar variation 1980289 (VCV001980289.5), dbSNP rs552760651, ClinGen allele CA3386730.